The following is an entry in ClinVar:

NM_000187.4(HGD):c.962G>A (p.Arg321Gln)

Gene: HGD (homogentisate 1,2-dioxygenase; minus strand). Cytogenetic location: 3q13.33.
Variant type: single nucleotide variant.
Coding change: c.962G>A on transcript NM_000187.4 (MANE Select); coding-DNA position 962, G replaced by A.
Protein change: p.Arg321Gln; replaces arginine 321 with glutamine.
Molecular consequence: missense variant.
Genome position (GRCh38, 1-based): chr3:120,638,499, C>T on the plus strand (G>A on the coding strand, the complement: HGD is on the minus strand). VCF-style: chr3-120638499-C-T. GRCh37 (hg19) VCF-style: chr3-120357346-C-T.
Other names: short protein forms R321Q.
Identifiers: ClinVar variation 2627705 (VCV002627705.3), dbSNP rs774374625, ClinGen allele CA2560009.

ClinVar aggregate classification (germline): Uncertain significance. Review status: criteria provided, single submitter (1 of 4 stars). 2 submissions from 2 submitters: Uncertain significance (1). 1 of the submissions does not count toward it. Last evaluated 2024-12-05.

Conditions:
Alkaptonuria (AKU). Also called: HOMOGENTISIC ACID OXIDASE DEFICIENCY; Alcaptonuria; Homogentisic acidura; Alkaptonuric ochronosis. Identifiers: Orphanet 56, MedGen C0002066, MONDO:0008753, OMIM 203500.

Allele frequency attached by ClinVar (database versions not stated): ExAC 0.00002.
gnomAD v4.1: 19 of 1,613,758 alleles (0.0012%); highest among the groups gnomAD compares: South Asian, 0.0033%; no homozygotes.

Submissions (2):

Dasa
Classification: Uncertain significance. Last evaluated: 2024-12-05. Review status: criteria provided, single submitter. Criteria: DASA Assertion Criteria. Collection method: clinical testing. Allele origin: germline.
Comment: NM_000187.4(HGD):c.962G>A (p.Arg321Gln) is a missense variant that results in the substitution of arginine with glutamine. This variant has been reported in individuals with HGD-related disorders (PMID: 19862842). Also, this variant is rare in population databases. Computational prediction algorithms are consistent with a deleterious effect. The currently available literature and clinical evidence are not sufficient to establish a definitive association between this variant and the reported condition. Therefore, this variant is classified as a variant of uncertain significance.

Department Of Human Genetics, Institute Of Clinical And Translational Research, Biomedical Research Center, Slovak Academy Of Sciences
Classification: Pathogenic for Alkaptonuria. Review status: no assertion criteria provided. Collection method: research. Allele origin: germline. Inheritance: Autosomal recessive inheritance. Affected: yes. Observed: 1 variant allele. Not counted in ClinVar's aggregate classification.
Comment: The variant was originally described in AKU patient in PMID:19862842. nucleotide change was deduced. It has been submitted to the HGD gene mutation database (DB-ID: AKU_00086).

Literature cited by the submitters: PubMed 19862842 (cited by Dasa and Department Of Human Genetics, Institute Of Clinical And Translational Research, Biomedical Research Center, Slovak Academy Of Sciences).